The following is an entry in ClinVar:

NM_004329.3(BMPR1A):c.635A>G (p.Gln212Arg)

Gene: BMPR1A (bone morphogenetic protein receptor type 1A; plus strand). Cytogenetic location: 10q23.2.
Variant type: single nucleotide variant.
Coding change: c.635A>G on transcript NM_004329.3 (MANE Select); coding-DNA position 635, A replaced by G.
Protein change: p.Gln212Arg; replaces glutamine 212 with arginine.
Molecular consequence: missense variant.
Genome position (GRCh38, 1-based): chr10:86,912,344, A>G. VCF-style: chr10-86912344-A-G. GRCh37 (hg19) VCF-style: chr10-88672101-A-G.
Other names: c.710A>G, p.Gln237Arg (NM_001406559.1); c.683A>G, p.Gln228Arg (NM_001406560.1); c.635A>G, p.Gln212Arg (NM_001406561.1, NM_001406562.1, NM_001406563.1 and 20 more transcripts); c.551A>G, p.Gln184Arg (NM_001406584.1, NM_001406585.1, NM_001406586.1 and 2 more transcripts); short protein forms Q228R, Q237R, Q184R, Q212R.
Identifiers: ClinVar variation 1753035 (VCV001753035.2), dbSNP rs2539574079, ClinGen allele CA377454962.

ClinVar aggregate classification (germline): Uncertain significance (1 of 4 stars; one submission).

Conditions:
Hereditary cancer-predisposing syndrome. Also called: Neoplastic Syndromes, Hereditary; Tumor predisposition; Hereditary Cancer Syndrome; Hereditary neoplastic syndrome. Identifiers: Orphanet 140162, MedGen C0027672, MeSH D009386, MONDO:0015356.

Submission:

Ambry Genetics
Classification: Uncertain significance for Hereditary cancer-predisposing syndrome. Last evaluated: 2022-04-01. Review status: criteria provided, single submitter. Criteria: Ambry Variant Classification Scheme 2023. Collection method: clinical testing. Allele origin: germline.
Comment: The p.Q212R variant (also known as c.635A>G), located in coding exon 6 of the BMPR1A gene, results from an A to G substitution at nucleotide position 635. The glutamine at codon 212 is replaced by arginine, an amino acid with highly similar properties. This amino acid position is conserved. In addition, the in silico prediction for this alteration is inconclusive. Since supporting evidence is limited at this time, the clinical significance of this alteration remains unclear.